The following is an entry in ClinVar:

NM_000127.3(EXT1):c.1405del (p.Tyr469fs)

Gene: EXT1 (exostosin glycosyltransferase 1; minus strand). Cytogenetic location: 8q24.11.
Variant type: Deletion.
Coding change: c.1405del on transcript NM_000127.3 (MANE Select); coding-DNA position 1405, one base deleted (T; older notation c.1405delT).
Protein change: p.Tyr469fs; shifts the reading frame from tyrosine 469.
Molecular consequence: frameshift variant.
Genome position (GRCh38, 1-based): chr8:117,822,477, A deleted on the plus strand (T on the coding strand, the reverse complement: EXT1 is on the minus strand). VCF-style (leftmost placement, unchanged base first): chr8-117822476-TA-T. GRCh37 (hg19) VCF-style: chr8-118834715-TA-T.
Other names: short protein forms Y469fs.
Identifiers: ClinVar variation 852382 (VCV000852382.7), dbSNP rs1811940788, ClinGen allele CA916081521.

ClinVar aggregate classification (germline): Pathogenic (1 of 4 stars; one submission).

Conditions:
Multiple congenital exostosis (EXT). Also called: MULTIPLE CARTILAGINOUS EXOSTOSES; Hereditary multiple exostoses; Hereditary multiple exostosis; Multiple osteochondromas; Hereditary multiple osteochondromas; Multiple exostoses. Identifiers: Orphanet 321, MedGen C0015306, MONDO:0005508, HP:0002762.

Submission:

Labcorp Genetics (formerly Invitae), Labcorp
Classification: Pathogenic for Multiple congenital exostosis. Last evaluated: 2019-02-14. Review status: criteria provided, single submitter. Criteria: Invitae Variant Classification Sherloc (09022015). Collection method: clinical testing. Allele origin: germline.
Comment: Loss-of-function variants in EXT1 are known to be pathogenic (PMID: 10679937, 11391482, 19810120). For these reasons, this variant has been classified as Pathogenic. This variant has not been reported in the literature in individuals with EXT1-related conditions. This sequence change creates a premature translational stop signal (p.Tyr469Metfs*4) in the EXT1 gene. It is expected to result in an absent or disrupted protein product. This variant is not present in population databases (ExAC no frequency).

Literature cited by the submitters: PubMed 10679937; PubMed 11391482; PubMed 19810120.